The following is an entry in ClinVar:

ClinVar aggregate classification (germline): Uncertain significance (1 of 4 stars; one submission).

Conditions:
Angelman syndrome-like. Identifiers: MedGen CN128785.
Developmental and epileptic encephalopathy, 2 (DEE2). Also called: INFANTILE SPASM SYNDROME, X-LINKED 2; CDKL5 deficiency disorder. Identifiers: Orphanet 1934, Orphanet 3451, Orphanet 505652, MedGen C4750718, MONDO:0010396, OMIM 300672.

Submission:

Labcorp Genetics (formerly Invitae), Labcorp
Classification: Uncertain significance for Developmental and epileptic encephalopathy, 2; Angelman syndrome-like. Last evaluated: 2025-12-05. Review status: criteria provided, single submitter. Criteria: Invitae Variant Classification Sherloc (09022015). Collection method: clinical testing. Allele origin: germline.
Comment: This sequence change replaces serine, which is neutral and polar, with asparagine, which is neutral and polar, at codon 744 of the CDKL5 protein (p.Ser744Asn). This variant is not present in population databases (gnomAD no frequency). This variant has not been reported in the literature in individuals affected with CDKL5-related conditions. Invitae Evidence Modeling of protein sequence and biophysical properties (such as structural, functional, and spatial information, amino acid conservation, physicochemical variation, residue mobility, and thermodynamic stability) indicates that this missense variant is not expected to disrupt CDKL5 protein function with a negative predictive value of 95%. In summary, the available evidence is currently insufficient to determine the role of this variant in disease. Therefore, it has been classified as a Variant of Uncertain Significance.

NM_001323289.2(CDKL5):c.2231G>A (p.Ser744Asn)

Gene: CDKL5 (cyclin dependent kinase like 5; plus strand). Cytogenetic location: Xp22.13.
Variant type: single nucleotide variant.
Coding change: c.2231G>A on transcript NM_001323289.2 (MANE Select); coding-DNA position 2231, G replaced by A.
Protein change: p.Ser744Asn; replaces serine 744 with asparagine.
Molecular consequence: missense variant.
Genome position (GRCh38, 1-based): chrX:18,613,230, G>A. VCF-style: chrX-18613230-G-A. GRCh37 (hg19) VCF-style: chrX-18631350-G-A.
Other names: c.2231G>A, p.Ser744Asn (NM_001037343.2, NM_003159.3); short protein forms S744N.
Identifiers: ClinVar variation 4792936 (VCV004792936.1).
Genomic context (GRCh38, chrX:18,613,230, plus strand): 5'-ACAATTCTTTCCATGAAAATAATGTGTCAACTAGAGTTTCTTCTCTACCATCAGAGAGCA[G>A]TTCTGGAACCAACCACTCAAAAAGACAACCAGCATTCGATCCATGGTGAGCATTTTGGTT-3'
Protein context (NP_001310218.1, residues 734-754): TRVSSLPSES[Ser744Asn]SGTNHSKRQP